The following is an entry in ClinVar:

ClinVar aggregate classification (germline): Uncertain significance. Review status: criteria provided, multiple submitters, no conflicts (2 of 4 stars). 2 submissions from 2 submitters: Uncertain significance (2). Last evaluated 2025-03-25.

Conditions:
Inborn genetic diseases. Identifiers: MedGen C0950123, MeSH D030342.

Allele frequency attached by ClinVar (database versions not stated): gnomAD exomes below 0.00001 and 0.00001; ExAC 0.00001; gnomAD 0.00001; TOPMed 0.00001.
gnomAD v4.1: 15 of 1,612,456 alleles (0.00093%); highest among the groups gnomAD compares: African/African-American, 0.0013%; no homozygotes.

Submissions (2):

Labcorp Genetics (formerly Invitae), Labcorp
Classification: Uncertain significance. Last evaluated: 2025-03-25. Review status: criteria provided, single submitter. Criteria: Invitae Variant Classification Sherloc (09022015). Collection method: clinical testing. Allele origin: germline.
Comment: This sequence change replaces glutamine, which is neutral and polar, with arginine, which is basic and polar, at codon 311 of the COL18A1 protein (p.Gln311Arg). This variant is present in population databases (rs753757924, gnomAD 0.0009%). This variant has not been reported in the literature in individuals affected with COL18A1-related conditions. ClinVar contains an entry for this variant (Variation ID: 1384911). Experimental studies and prediction algorithms are not available or were not evaluated, and the functional significance of this variant is currently unknown. In summary, the available evidence is currently insufficient to determine the role of this variant in disease. Therefore, it has been classified as a Variant of Uncertain Significance.

Ambry Genetics
Classification: Uncertain significance for Inborn genetic diseases. Last evaluated: 2023-04-04. Review status: criteria provided, single submitter. Criteria: Ambry Variant Classification Scheme 2023. Collection method: clinical testing. Allele origin: germline.

NM_001379500.1(COL18A1):c.932A>G (p.Gln311Arg)

Gene: COL18A1 (collagen type XVIII alpha 1 chain; plus strand). Cytogenetic location: 21q22.3.
Variant type: single nucleotide variant.
Coding change: c.932A>G on transcript NM_001379500.1 (MANE Select); coding-DNA position 932, A replaced by G.
Protein change: p.Gln311Arg; replaces glutamine 311 with arginine.
Molecular consequence: missense variant.
Genome position (GRCh38, 1-based): chr21:45,477,414, A>G. VCF-style: chr21-45477414-A-G. GRCh37 (hg19) VCF-style: chr21-46897328-A-G.
Other names: NM_130445.2:c.932A>G; c.1472A>G, p.Gln491Arg (NM_030582.4); c.2177A>G, p.Gln726Arg (NM_130444.3); short protein forms Q491R, Q726R, Q311R.
Identifiers: ClinVar variation 1384911 (VCV001384911.7), dbSNP rs753757924, ClinGen allele CA10066020.